The following is an entry in ClinVar:

NM_001369.3(DNAH5):c.11429_11433del (p.Asn3810fs)

Gene: DNAH5 (dynein axonemal heavy chain 5; minus strand). Cytogenetic location: 5p15.2.
Variant type: Deletion.
Coding change: c.11429_11433del on transcript NM_001369.3 (MANE Select); coding-DNA positions 11429 to 11433, 5 bases deleted (ACTCA; older notation c.11429_11433delACTCA).
Protein change: p.Asn3810fs; shifts the reading frame from asparagine 3810.
Molecular consequence: frameshift variant.
Genome position (GRCh38, 1-based): chr5:13,737,274-13,737,278, TGAGT deleted on the plus strand (ACTCA on the coding strand, the reverse complement: DNAH5 is on the minus strand); deleting any 5 consecutive bases within chr5:13,737,274-13,737,279 gives the same sequence; the c. name uses the placement nearest the transcript's 3' end. VCF-style (leftmost placement, unchanged base first): chr5-13737273-CTGAGT-C. GRCh37 (hg19) VCF-style: chr5-13737382-CTGAGT-C.
Other names: short protein forms N3810fs.
Identifiers: ClinVar variation 5012809 (VCV005012809.1).

ClinVar aggregate classification (germline): Pathogenic (1 of 4 stars; one submission).

Conditions:
Primary ciliary dyskinesia 3. Identifiers: Orphanet 244, MedGen C1837618, MONDO:0012085, OMIM 608644.

Submission:

Myriad Genetics, Inc.
Classification: Pathogenic for Primary ciliary dyskinesia 3. Last evaluated: 2024-05-14. Review status: criteria provided, single submitter. Criteria: Myriad Autosomal Dominant, Autosomal Recessive and X-Linked Classification Criteria (2023). Collection method: clinical testing. Allele origin: unknown.
Comment: NM_001369.2(DNAH5):c.11429_11433del5(N3810Sfs*21) is expected to be pathogenic in the context of primary ciliary dyskinesia, DNAH5-related. This variant is predicted to lead to an abnormal or absent protein product due to the creation of a premature termination codon in DNAH5, a gene where loss-of-function variants are known to be pathogenic. Please note: this variant was assessed in the context of healthy population screening.